The following is an entry in ClinVar:

NM_001370259.2(MEN1):c.1481C>G (p.Pro494Arg)

Gene: MEN1 (menin 1; minus strand). Cytogenetic location: 11q13.1.
Variant type: single nucleotide variant.
Coding change: c.1481C>G on transcript NM_001370259.2 (MANE Select); coding-DNA position 1481, C replaced by G.
Protein change: p.Pro494Arg; replaces proline 494 with arginine.
Molecular consequence: missense variant. On other transcripts: non-coding transcript variant (4).
Genome position (GRCh38, 1-based): chr11:64,804,686, G>C on the plus strand (C>G on the coding strand, the complement: MEN1 is on the minus strand). VCF-style: chr11-64804686-G-C. GRCh37 (hg19) VCF-style: chr11-64572158-G-C.
Other names: c.1496C>G, p.Pro499Arg (NM_000244.4, NM_001407145.1, NM_130800.3 and 4 more transcripts); c.1607C>G, p.Pro536Arg (NM_001370251.2, NM_001407142.1, NM_001407143.1 and 1 more transcripts); c.1481C>G, p.Pro494Arg (NM_001370260.2, NM_001370261.2, NM_001407146.1 and 2 more transcripts); c.1376C>G, p.Pro459Arg (NM_001370262.2, NM_001370263.2, NM_001407148.1 and 1 more transcripts); c.1622C>G, p.Pro541Arg (NM_001407150.1); c.1502C>G, p.Pro501Arg (NM_001407151.1); c.1316C>G, p.Pro439Arg (NM_001407152.1); short protein forms P439R, P459R, P494R, P499R, P501R, P536R, P541R.
Identifiers: ClinVar variation 3229065 (VCV003229065.1), dbSNP rs1060499993, ClinGen allele CA381179011.

ClinVar aggregate classification (germline): Uncertain significance (1 of 4 stars; one submission).

Conditions:
Hereditary cancer-predisposing syndrome. Also called: Neoplastic Syndromes, Hereditary; Tumor predisposition; Hereditary neoplastic syndrome; Hereditary Cancer Syndrome. Identifiers: Orphanet 140162, MedGen C0027672, MeSH D009386, MONDO:0015356.

Submission:

Ambry Genetics
Classification: Uncertain significance for Hereditary cancer-predisposing syndrome. Last evaluated: 2023-12-01. Review status: criteria provided, single submitter. Criteria: Ambry Variant Classification Scheme 2023. Collection method: clinical testing. Allele origin: germline.
Comment: The p.P494R variant (also known as c.1481C>G), located in coding exon 9 of the MEN1 gene, results from a C to G substitution at nucleotide position 1481. The proline at codon 494 is replaced by arginine, an amino acid with dissimilar properties. This amino acid position is conserved. In addition, the in silico prediction for this alteration is inconclusive. Since supporting evidence is limited at this time, the clinical significance of this alteration remains unclear.